The following is an entry in ClinVar:

ClinVar aggregate classification (germline): Uncertain significance (1 of 4 stars; one submission).

Allele frequency attached by ClinVar (database versions not stated): TOPMed 0.00013.
gnomAD v4.1: 147 of 1,614,086 alleles (0.0091%); highest among the groups gnomAD compares: Middle Eastern, 0.049%; 1 homozygote.

Submission:

Labcorp Genetics (formerly Invitae), Labcorp
Classification: Uncertain significance. Last evaluated: 2025-12-15. Review status: criteria provided, single submitter. Criteria: Invitae Variant Classification Sherloc (09022015). Collection method: clinical testing. Allele origin: germline.
Comment: This sequence change replaces asparagine, which is neutral and polar, with threonine, which is neutral and polar, at codon 1157 of the CTR9 protein (p.Asn1157Thr). This variant is present in population databases (rs541490334, gnomAD 0.02%). This variant has not been reported in the literature in individuals affected with CTR9-related conditions. ClinVar contains an entry for this variant (Variation ID: 938377). An algorithm developed to predict the effect of missense changes on protein structure and function (PolyPhen-2) suggests that this variant is likely to be tolerated. In summary, the available evidence is currently insufficient to determine the role of this variant in disease. Therefore, it has been classified as a Variant of Uncertain Significance.

NM_014633.5(CTR9):c.3470A>C (p.Asn1157Thr)

Gene: CTR9 (CTR9 component of Paf1/RNA polymerase II complex; plus strand). Cytogenetic location: 11p15.4.
Variant type: single nucleotide variant.
Coding change: c.3470A>C on transcript NM_014633.5 (MANE Select); coding-DNA position 3470, A replaced by C.
Protein change: p.Asn1157Thr; replaces asparagine 1157 with threonine.
Molecular consequence: missense variant.
Genome position (GRCh38, 1-based): chr11:10,779,053, A>C. VCF-style: chr11-10779053-A-C. GRCh37 (hg19) VCF-style: chr11-10800600-A-C.
Other names: c.3398A>C, p.Asn1133Thr (NM_001346279.2); short protein forms N1133T, N1157T.
Identifiers: ClinVar variation 938377 (VCV000938377.9), dbSNP rs541490334, ClinGen allele CA5885599.